The following is an entry in ClinVar:

ClinVar aggregate classification (germline): Conflicting classifications of pathogenicity. Review status: criteria provided, conflicting classifications (1 of 4 stars). 4 submissions from 4 submitters: Uncertain significance (2); Likely benign (2). Last evaluated 2025-11-01.

Conditions:
Bethlem myopathy 1A. Also called: Bethlem myopathy 1; Bethlem Muscular Dystrophy; MYOPATHY, BENIGN CONGENITAL, WITH CONTRACTURES. Identifiers: Orphanet 610, MedGen CN029274, MONDO:0024530, OMIM 158810.

Allele frequency attached by ClinVar (database versions not stated): gnomAD exomes below 0.00001 and 0.00002; ExAC 0.00001; gnomAD 0.00001; TOPMed 0.00002; ESP Exome Variant Server 0.00008.
gnomAD v4.1: 26 of 1,614,100 alleles (0.0016%); highest among the groups gnomAD compares: African/African-American, 0.0053%; no homozygotes.

Submissions (4):

CeGaT Center for Human Genetics Tuebingen
Classification: Likely benign. Last evaluated: 2025-11-01. Review status: criteria provided, single submitter. Criteria: CeGaT Center For Human Genetics Tuebingen Variant Classification Criteria Version 2. Collection method: clinical testing. Allele origin: germline. Affected: yes. Observed: 1 variant allele.
Comment: COL6A3: BP4, BP7

Labcorp Genetics (formerly Invitae), Labcorp
Classification: Likely benign for Bethlem myopathy 1A. Last evaluated: 2024-05-30. Review status: criteria provided, single submitter. Criteria: Invitae Variant Classification Sherloc (09022015). Collection method: clinical testing. Allele origin: germline.

Blueprint Genetics
Classification: Uncertain significance. Last evaluated: 2024-02-29. Review status: criteria provided, single submitter. Criteria: ACMG Guidelines, 2015. Collection method: clinical testing. Allele origin: germline.

Eurofins Ntd Llc (ga)
Classification: Uncertain significance. Last evaluated: 2016-01-05. Review status: criteria provided, single submitter. Criteria: EGL Classification Definitions 2015. Collection method: clinical testing. Allele origin: germline. Observed: 1 variant allele, 1 heterozygote.

NM_004369.4(COL6A3):c.2232G>A (p.Pro744=)

Gene: COL6A3 (collagen type VI alpha 3 chain; minus strand). Cytogenetic location: 2q37.3.
Variant type: single nucleotide variant.
Coding change: c.2232G>A on transcript NM_004369.4 (MANE Select); coding-DNA position 2232, G replaced by A.
Protein change: p.Pro744=; no amino-acid change (proline 744 retained).
Molecular consequence: synonymous variant. On other transcripts: intron variant (1).
Genome position (GRCh38, 1-based): chr2:237,378,901, C>T on the plus strand (G>A on the coding strand, the complement: COL6A3 is on the minus strand). VCF-style: chr2-237378901-C-T. GRCh37 (hg19) VCF-style: chr2-238287544-C-T.
Other names: c.1011G>A, p.Pro337= (NM_057164.5); c.1614G>A, p.Pro538= (NM_057165.5, NM_057167.4); c.677-1557G>A (NM_057166.5).
Identifiers: ClinVar variation 285316 (VCV000285316.16), dbSNP rs368826874, ClinGen allele CA2189448.